The following is an entry in ClinVar:

ClinVar aggregate classification (germline): Conflicting classifications of pathogenicity. Review status: criteria provided, conflicting classifications (1 of 4 stars). 5 submissions from 5 submitters: Uncertain significance (3); Likely benign (1). 1 of the submissions does not count toward it. Last evaluated 2025-11-24.

Conditions:
Nonpapillary renal cell carcinoma. Identifiers: Orphanet 422526, MedGen CN074294, MONDO:0007763, OMIM 144700.
Birt-Hogg-Dube syndrome 1 (BHD1). Also called: FIBROFOLLICULOMAS WITH TRICHODISCOMAS AND ACROCHORDONS. Identifiers: Orphanet 122, MedGen CN375946, MONDO:0800445, OMIM 135150.
Familial spontaneous pneumothorax (PSP). Identifiers: Orphanet 2903, MedGen C1868193, MONDO:0008259, OMIM 173600.
Colorectal cancer. Also called: Colorectal cancer, somatic; Malignant Colorectal Neoplasm. Identifiers: MedGen C0346629, MONDO:0005575, OMIM 114500.
FLCN-related disorder. Also called: FLCN-related condition.
Birt-Hogg-Dube syndrome. Also called: Birt Hogg Dubé syndrome. Identifiers: Orphanet 122, MedGen C0346010, MONDO:0800444.
Hereditary cancer-predisposing syndrome. Also called: Neoplastic Syndromes, Hereditary; Hereditary Cancer Syndrome; Hereditary neoplastic syndrome; Tumor predisposition. Identifiers: Orphanet 140162, MedGen C0027672, MeSH D009386, MONDO:0015356.

Allele frequency attached by ClinVar (database versions not stated): gnomAD exomes below 0.00001; TOPMed below 0.00001; ExAC 0.00001.
gnomAD v4.1: 4 of 1,613,298 alleles (0.00025%); highest among the groups gnomAD compares: Non-Finnish European, 0.00025%; no homozygotes.

Submissions (5):

Labcorp Genetics (formerly Invitae), Labcorp
Classification: Uncertain significance for Birt-Hogg-Dube syndrome. Last evaluated: 2025-11-24. Review status: criteria provided, single submitter. Criteria: Invitae Variant Classification Sherloc (09022015). Collection method: clinical testing. Allele origin: germline.
Comment: This sequence change replaces isoleucine, which is neutral and non-polar, with threonine, which is neutral and polar, at codon 426 of the FLCN protein (p.Ile426Thr). The frequency data for this variant in the population databases is considered unreliable, as metrics indicate poor data quality at this position in the gnomAD database. This variant has not been reported in the literature in individuals affected with FLCN-related conditions. ClinVar contains an entry for this variant (Variation ID: 849527). Invitae Evidence Modeling of protein sequence and biophysical properties (such as structural, functional, and spatial information, amino acid conservation, physicochemical variation, residue mobility, and thermodynamic stability) indicates that this missense variant is expected to disrupt FLCN protein function with a positive predictive value of 80%. In summary, the available evidence is currently insufficient to determine the role of this variant in disease. Therefore, it has been classified as a Variant of Uncertain Significance.

Fulgent Genetics
Classification: Uncertain significance for Colorectal cancer; Birt-Hogg-Dube syndrome 1; Nonpapillary renal cell carcinoma; Familial spontaneous pneumothorax. Last evaluated: 2024-06-03. Review status: criteria provided, single submitter. Criteria: ACMG Guidelines, 2015. Collection method: clinical testing. Allele origin: germline.

Ambry Genetics
Classification: Likely benign for Hereditary cancer-predisposing syndrome. Last evaluated: 2024-05-24. Review status: criteria provided, single submitter. Criteria: Ambry Variant Classification Scheme 2023. Collection method: clinical testing. Allele origin: germline.

GeneDx
Classification: Uncertain significance. Last evaluated: 2023-02-21. Review status: criteria provided, single submitter. Criteria: GeneDx Variant Classification Process June 2021. Collection method: clinical testing. Allele origin: germline. Affected: yes.
Comment: Not observed at significant frequency in large population cohorts (gnomAD); In silico analysis supports that this missense variant has a deleterious effect on protein structure/function; Has not been previously published as pathogenic or benign to our knowledge; This variant is associated with the following publications: (PMID: 17028174)

PreventionGenetics, part of Exact Sciences
Classification: Uncertain significance for FLCN-related condition. Last evaluated: 2024-04-25. Review status: no assertion criteria provided. Collection method: clinical testing. Allele origin: germline. Not counted in ClinVar's aggregate classification.
Comment: The FLCN c.1277T>C variant is predicted to result in the amino acid substitution p.Ile426Thr. To our knowledge, this variant has not been reported in the literature. This variant is reported in 0.00090% of alleles in individuals of European (Non-Finnish) descent in gnomAD. This variant is interpreted as a variant of uncertain significance in ClinVar. At this time, the clinical significance of this variant is uncertain due to the absence of conclusive functional and genetic evidence.

NM_144997.7(FLCN):c.1277T>C (p.Ile426Thr)

Gene: FLCN (folliculin; minus strand). Cytogenetic location: 17p11.2.
Variant type: single nucleotide variant.
Coding change: c.1277T>C on transcript NM_144997.7 (MANE Select); coding-DNA position 1277, T replaced by C.
Protein change: p.Ile426Thr; replaces isoleucine 426 with threonine.
Molecular consequence: missense variant.
Genome position (GRCh38, 1-based): chr17:17,216,403, A>G on the plus strand (T>C on the coding strand, the complement: FLCN is on the minus strand). VCF-style: chr17-17216403-A-G. GRCh37 (hg19) VCF-style: chr17-17119717-A-G.
Other names: c.1331T>C, p.Ile444Thr (NM_001353229.2); c.1277T>C, p.Ile426Thr (NM_001353230.2, NM_001353231.2); short protein forms I426T, I444T.
Identifiers: ClinVar variation 849527 (VCV000849527.13), dbSNP rs766990565, ClinGen allele CA8416080.
Genomic context (GRCh38, chr17:17,216,403, plus strand): 5'-CGCAGGGCATGGCCCCACAGCCCGCGGGGGCACGCACCTGAGGAGAGCACGTGGGGGGGG[A>G]TCTGCACGTGCGGGCTGAGCCCCAGGAAGTTGCACCGATAGGCCTCCTCGTACTGGCTGC-3'
Protein context (NP_659434.2, residues 416-436): NFLGLSPHVQ[Ile426Thr]PPHVLSSEFA